The following is an entry in ClinVar:

ClinVar aggregate classification (germline): Uncertain significance (1 of 4 stars; one submission).

Conditions:
RASopathy. Also called: Noonan spectrum disorder; rasopathies. Identifiers: Orphanet 536391, MedGen C5555857, MONDO:0021060.

gnomAD v4.1: 12 of 1,613,462 alleles (0.00074%); highest among the groups gnomAD compares: Non-Finnish European, 0.001%; no homozygotes.

Submission:

Labcorp Genetics (formerly Invitae), Labcorp
Classification: Uncertain significance for RASopathy. Last evaluated: 2026-02-01. Review status: criteria provided, single submitter. Criteria: Invitae Variant Classification Sherloc (09022015). Collection method: clinical testing. Allele origin: germline.
Comment: This sequence change replaces arginine, which is basic and polar, with glutamine, which is neutral and polar, at codon 65 of the SOS1 protein (p.Arg65Gln). This variant is not present in population databases (gnomAD no frequency). This variant has not been reported in the literature in individuals affected with SOS1-related conditions. Invitae Evidence Modeling of protein sequence and biophysical properties (such as structural, functional, and spatial information, amino acid conservation, physicochemical variation, residue mobility, and thermodynamic stability) has been performed for this missense variant. However, the output from this modeling did not meet the statistical confidence thresholds required to predict the impact of this variant on SOS1 protein function. In summary, the available evidence is currently insufficient to determine the role of this variant in disease. Therefore, it has been classified as a Variant of Uncertain Significance.

NM_005633.4(SOS1):c.194G>A (p.Arg65Gln)

Gene: SOS1 (SOS Ras/Rac guanine nucleotide exchange factor 1; minus strand). Cytogenetic location: 2p22.1.
Variant type: single nucleotide variant.
Coding change: c.194G>A on transcript NM_005633.4 (MANE Select); coding-DNA position 194, G replaced by A.
Protein change: p.Arg65Gln; replaces arginine 65 with glutamine.
Molecular consequence: missense variant.
Genome position (GRCh38, 1-based): chr2:39,067,647, C>T on the plus strand (G>A on the coding strand, the complement: SOS1 is on the minus strand). VCF-style: chr2-39067647-C-T. GRCh37 (hg19) VCF-style: chr2-39294788-C-T.
Other names: c.173G>A, p.Arg58Gln (NM_001382394.1); c.194G>A, p.Arg65Gln (NM_001382395.1); short protein forms R58Q, R65Q.
Identifiers: ClinVar variation 4746712 (VCV004746712.1).